The following is an entry in ClinVar:

NM_003998.4(NFKB1):c.1732A>C (p.Met578Leu)

Genes: NFKB1 (nuclear factor kappa B subunit 1; plus strand), LOC126807127 (CDK7 strongly-dependent group 2 enhancer GRCh37_chr4:103521788-103522987; plus strand). Cytogenetic location: 4q24.
Variant type: single nucleotide variant.
Coding change: c.1732A>C on transcript NM_003998.4 (MANE Select); coding-DNA position 1732, A replaced by C.
Protein change: p.Met578Leu; replaces methionine 578 with leucine.
Molecular consequence: missense variant.
Genome position (GRCh38, 1-based): chr4:102,600,989, A>C. VCF-style: chr4-102600989-A-C. GRCh37 (hg19) VCF-style: chr4-103522146-A-C.
Other names: c.1729A>C, p.Met577Leu (NM_001165412.2, NM_001319226.2, NM_001382627.1); c.1732A>C, p.Met578Leu (NM_001382625.1, NM_001382626.1); c.1690A>C, p.Met564Leu (NM_001382628.1); short protein forms M577L, M564L, M578L.
Identifiers: ClinVar variation 4722344 (VCV004722344.1).

ClinVar aggregate classification (germline): Uncertain significance (1 of 4 stars; one submission).

gnomAD v4.1: 2 of 1,598,970 alleles (0.00013%); highest among the groups gnomAD compares: African/African-American, 0.0013%; no homozygotes.

Submission:

Labcorp Genetics (formerly Invitae), Labcorp
Classification: Uncertain significance. Last evaluated: 2025-06-29. Review status: criteria provided, single submitter. Criteria: Invitae Variant Classification Sherloc (09022015). Collection method: clinical testing. Allele origin: germline.
Comment: This sequence change replaces methionine, which is neutral and non-polar, with leucine, which is neutral and non-polar, at codon 578 of the NFKB1 protein (p.Met578Leu). This variant is not present in population databases (gnomAD no frequency). This variant has not been reported in the literature in individuals affected with NFKB1-related conditions. An algorithm developed to predict the effect of missense changes on protein structure and function (PolyPhen-2) suggests that this variant is likely to be tolerated. In summary, the available evidence is currently insufficient to determine the role of this variant in disease. Therefore, it has been classified as a Variant of Uncertain Significance.